The following is an entry in ClinVar:

ClinVar aggregate classification (germline): Uncertain significance (1 of 4 stars; one submission).

Allele frequency attached by ClinVar (database versions not stated): gnomAD exomes below 0.00001; gnomAD 0.00001; TOPMed 0.00002.
gnomAD v4.1: 5 of 1,612,848 alleles (0.00031%); highest among the groups gnomAD compares: Non-Finnish European, 0.00042%; no homozygotes.

Submission:

Labcorp Genetics (formerly Invitae), Labcorp
Classification: Uncertain significance. Last evaluated: 2023-07-19. Review status: criteria provided, single submitter. Criteria: Invitae Variant Classification Sherloc (09022015). Collection method: clinical testing. Allele origin: germline.
Comment: In summary, the available evidence is currently insufficient to determine the role of this variant in disease. Therefore, it has been classified as a Variant of Uncertain Significance. Advanced modeling of protein sequence and biophysical properties (such as structural, functional, and spatial information, amino acid conservation, physicochemical variation, residue mobility, and thermodynamic stability) performed at Invitae indicates that this missense variant is not expected to disrupt TFRC protein function. This variant has not been reported in the literature in individuals affected with TFRC-related conditions. This variant is present in population databases (no rsID available, gnomAD 0.002%). This sequence change replaces aspartic acid, which is acidic and polar, with valine, which is neutral and non-polar, at codon 194 of the TFRC protein (p.Asp194Val).

NM_001128148.3(TFRC):c.581A>T (p.Asp194Val)

Gene: TFRC (transferrin receptor; minus strand). Cytogenetic location: 3q29.
Variant type: single nucleotide variant.
Coding change: c.581A>T on transcript NM_001128148.3 (MANE Select); coding-DNA position 581, A replaced by T.
Protein change: p.Asp194Val; replaces aspartic acid 194 with valine.
Molecular consequence: missense variant. On other transcripts: 5 prime UTR variant (1).
Genome position (GRCh38, 1-based): chr3:196,072,006, T>A on the plus strand (A>T on the coding strand, the complement: TFRC is on the minus strand). VCF-style: chr3-196072006-T-A. GRCh37 (hg19) VCF-style: chr3-195798877-T-A.
Other names: c.338A>T, p.Asp113Val (NM_001313965.2); c.-266A>T (NM_001313966.2); c.581A>T, p.Asp194Val (NM_003234.4); short protein forms D194V, D113V.
Identifiers: ClinVar variation 2728012 (VCV002728012.3), dbSNP rs1259881070, ClinGen allele CA355576225.
Genomic context (GRCh38, chr3:196,072,006, plus strand): 5'-TAGCACACCTGAAAATAGCTACTTGTATAAAAATAAGTTTACCATCTTTCAACATACCTG[T>A]CTTTGACCTGAATCTTAACAAAATGTTGATCACGCCAGACTTTGCTGAGTTTAAATTCAC-3'
Protein context (NP_001121620.1, residues 184-204): DQHFVKIQVK[Asp194Val]SAQNSVIIVD